The following is an entry in ClinVar:

ClinVar aggregate classification (germline): Uncertain significance (1 of 4 stars; one submission).

Conditions:
Ehlers-Danlos syndrome, type 4 (EDSVASC). Also called: Ehlers-Danlos syndrome vascular type; Ehlers Danlos syndrome, ecchymotic type; Ehlers Danlos syndrome, arterial type; Ehlers Danlos syndrome, Sack-Barabas type; Ehlers-Danlos Syndrome Type IV. Identifiers: Orphanet 286, MedGen C0268338, MONDO:0017314, OMIM 130050.

gnomAD v4.1: 8 of 1,614,008 alleles (0.0005%); highest among the groups gnomAD compares: East Asian, 0.0022%; no homozygotes.

Submission:

Labcorp Genetics (formerly Invitae), Labcorp
Classification: Uncertain significance for Ehlers-Danlos syndrome, type 4. Last evaluated: 2024-02-16. Review status: criteria provided, single submitter. Criteria: Invitae Variant Classification Sherloc (09022015). Collection method: clinical testing. Allele origin: germline.
Comment: This sequence change replaces valine, which is neutral and non-polar, with isoleucine, which is neutral and non-polar, at codon 1326 of the COL3A1 protein (p.Val1326Ile). This variant is present in population databases (rs762269632, gnomAD 0.005%). This variant has not been reported in the literature in individuals affected with COL3A1-related conditions. Advanced modeling of protein sequence and biophysical properties (such as structural, functional, and spatial information, amino acid conservation, physicochemical variation, residue mobility, and thermodynamic stability) performed at Invitae indicates that this missense variant is not expected to disrupt COL3A1 protein function with a negative predictive value of 95%. In summary, the available evidence is currently insufficient to determine the role of this variant in disease. Therefore, it has been classified as a Variant of Uncertain Significance.

NM_000090.4(COL3A1):c.3976G>A (p.Val1326Ile)

Gene: COL3A1 (collagen type III alpha 1 chain; plus strand). Cytogenetic location: 2q32.2.
Variant type: single nucleotide variant.
Coding change: c.3976G>A on transcript NM_000090.4 (MANE Select); coding-DNA position 3976, G replaced by A.
Protein change: p.Val1326Ile; replaces valine 1326 with isoleucine.
Molecular consequence: missense variant.
Genome position (GRCh38, 1-based): chr2:189,010,330, G>A. VCF-style: chr2-189010330-G-A. GRCh37 (hg19) VCF-style: chr2-189875056-G-A.
Other names: short protein forms V1326I.
Identifiers: ClinVar variation 3708487 (VCV003708487.2).